The following is an entry in ClinVar:

ClinVar aggregate classification (germline): Uncertain significance (1 of 4 stars; one submission).

Allele frequency attached by ClinVar (database versions not stated): ExAC 0.00001.
gnomAD v4.1: 75 of 1,613,992 alleles (0.0046%); highest among the groups gnomAD compares: Non-Finnish European, 0.0062%; no homozygotes.

Submission:

Labcorp Genetics (formerly Invitae), Labcorp
Classification: Uncertain significance. Last evaluated: 2025-01-20. Review status: criteria provided, single submitter. Criteria: Invitae Variant Classification Sherloc (09022015). Collection method: clinical testing. Allele origin: germline.
Comment: This sequence change replaces asparagine, which is neutral and polar, with threonine, which is neutral and polar, at codon 1115 of the DSCAML1 protein (p.Asn1115Thr). This variant is present in population databases (rs767473015, gnomAD 0.004%). This variant has not been reported in the literature in individuals affected with DSCAML1-related conditions. ClinVar contains an entry for this variant (Variation ID: 2985676). An algorithm developed to predict the effect of missense changes on protein structure and function (PolyPhen-2) suggests that this variant is likely to be disruptive. In summary, the available evidence is currently insufficient to determine the role of this variant in disease. Therefore, it has been classified as a Variant of Uncertain Significance.

NM_020693.4(DSCAML1):c.3164A>C (p.Asn1055Thr)

Gene: DSCAML1 (DS cell adhesion molecule like 1; minus strand). Cytogenetic location: 11q23.3.
Variant type: single nucleotide variant.
Coding change: c.3164A>C on transcript NM_020693.4 (MANE Select); coding-DNA position 3164, A replaced by C.
Protein change: p.Asn1055Thr; replaces asparagine 1055 with threonine.
Molecular consequence: missense variant.
Genome position (GRCh38, 1-based): chr11:117,465,043, T>G on the plus strand (A>C on the coding strand, the complement: DSCAML1 is on the minus strand). VCF-style: chr11-117465043-T-G. GRCh37 (hg19) VCF-style: chr11-117335759-T-G.
Other names: short protein forms N1055T.
Identifiers: ClinVar variation 2985676 (VCV002985676.3), dbSNP rs767473015, ClinGen allele CA6296781.